The following is an entry in ClinVar:

NM_025099.6(CTC1):c.3401T>C (p.Val1134Ala)

Gene: CTC1 (CST telomere replication complex component 1; minus strand). Cytogenetic location: 17p13.1.
Variant type: single nucleotide variant.
Coding change: c.3401T>C on transcript NM_025099.6 (MANE Select); coding-DNA position 3401, T replaced by C.
Protein change: p.Val1134Ala; replaces valine 1134 with alanine.
Molecular consequence: missense variant. On other transcripts: non-coding transcript variant (1).
Genome position (GRCh38, 1-based): chr17:8,228,616, A>G on the plus strand (T>C on the coding strand, the complement: CTC1 is on the minus strand). VCF-style: chr17-8228616-A-G. GRCh37 (hg19) VCF-style: chr17-8131934-A-G.
Other names: c.3170T>C, p.Val1057Ala (NM_001411067.1); short protein forms V1134A, V1057A.
Identifiers: ClinVar variation 2912028 (VCV002912028.3), dbSNP rs1370775254, ClinGen allele CA397968873.
Genomic context (GRCh38, chr17:8,228,616, plus strand): 5'-GGACGGAGGACAGAGGGGCTAGTACAAAGTGTCCAGAGGAACATGGTCATGGGCTCGTCA[A>G]CCCTGGCTGAAGACTAGAAAGAGAAGGTCAAGGTTAACTGGCTCCTAAACCCTTTGCCAA-3'
Protein context (NP_079375.3, residues 1124-1144): PGAQLESSAR[Val1134Ala]DEPMTMFLWT

ClinVar aggregate classification (germline): Uncertain significance (1 of 4 stars; one submission).

Conditions:
Dyskeratosis congenita. Identifiers: Orphanet 1775, MedGen C0265965, MONDO:0015780.

Allele frequency attached by ClinVar (database versions not stated): gnomAD exomes below 0.00001.
gnomAD v4.1: 5 of 1,614,172 alleles (0.00031%); highest among the groups gnomAD compares: Admixed American, 0.0033%; no homozygotes.

Submission:

Labcorp Genetics (formerly Invitae), Labcorp
Classification: Uncertain significance for Dyskeratosis congenita. Last evaluated: 2022-11-12. Review status: criteria provided, single submitter. Criteria: Invitae Variant Classification Sherloc (09022015). Collection method: clinical testing. Allele origin: germline.
Comment: In summary, the available evidence is currently insufficient to determine the role of this variant in disease. Therefore, it has been classified as a Variant of Uncertain Significance. Algorithms developed to predict the effect of missense changes on protein structure and function (SIFT, PolyPhen-2, Align-GVGD) all suggest that this variant is likely to be tolerated. This sequence change replaces valine, which is neutral and non-polar, with alanine, which is neutral and non-polar, at codon 1134 of the CTC1 protein (p.Val1134Ala). This variant is present in population databases (no rsID available, gnomAD 0.006%). This variant has not been reported in the literature in individuals affected with CTC1-related conditions.